The following is an entry in ClinVar:

NM_024854.5(PYROXD1):c.871G>T (p.Ala291Ser)

Gene: PYROXD1 (pyridine nucleotide-disulphide oxidoreductase domain 1; plus strand). Cytogenetic location: 12p12.1.
Variant type: single nucleotide variant.
Coding change: c.871G>T on transcript NM_024854.5 (MANE Select); coding-DNA position 871, G replaced by T.
Protein change: p.Ala291Ser; replaces alanine 291 with serine.
Molecular consequence: missense variant.
Genome position (GRCh38, 1-based): chr12:21,461,145, G>T. VCF-style: chr12-21461145-G-T. GRCh37 (hg19) VCF-style: chr12-21614079-G-T.
Other names: c.658G>T, p.Ala220Ser (NM_001350912.2); c.94G>T, p.Ala32Ser (NM_001350913.2); short protein forms A291S, A220S, A32S.
Identifiers: ClinVar variation 1450060 (VCV001450060.7), dbSNP rs753235761, ClinGen allele CA6478352.
Genomic context (GRCh38, chr12:21,461,145, plus strand): 5'-GAGTTTAGAATTTTGAAGAAAAAGTCCTTCACTTTTCCAAGAGACCATAAGTCAGTTACA[G>T]CTGATACAGGCAAGTAATGAAATAAGAAAAAATATATATAACCACTTAATTAAAAGGAAA-3'
Protein context (NP_079130.2, residues 281-301): TFPRDHKSVT[Ala291Ser]DTEMWPVYVE

ClinVar aggregate classification (germline): Uncertain significance (1 of 4 stars; one submission).

Allele frequency attached by ClinVar (database versions not stated): gnomAD exomes below 0.00001; ExAC 0.00001.
gnomAD v4.1: 1 of 1,527,332 alleles (0.000065%); highest among the groups gnomAD compares: Non-Finnish European, 0.000088%; no homozygotes.

Submission:

Labcorp Genetics (formerly Invitae), Labcorp
Classification: Uncertain significance. Last evaluated: 2021-06-14. Review status: criteria provided, single submitter. Criteria: Invitae Variant Classification Sherloc (09022015). Collection method: clinical testing. Allele origin: germline.
Comment: In summary, the available evidence is currently insufficient to determine the role of this variant in disease. Therefore, it has been classified as a Variant of Uncertain Significance. Algorithms developed to predict the effect of missense changes on protein structure and function (SIFT, PolyPhen-2, Align-GVGD) all suggest that this variant is likely to be tolerated, but these predictions have not been confirmed by published functional studies and their clinical significance is uncertain. This variant has not been reported in the literature in individuals with PYROXD1-related conditions. This variant is present in population databases (rs753235761, ExAC 0.002%). This sequence change replaces alanine with serine at codon 291 of the PYROXD1 protein (p.Ala291Ser). The alanine residue is weakly conserved and there is a moderate physicochemical difference between alanine and serine.